The following is an entry in ClinVar:

ClinVar aggregate classification (germline): Uncertain significance. Review status: criteria provided, multiple submitters, no conflicts (2 of 4 stars). 2 submissions from 2 submitters: Uncertain significance (2). Last evaluated 2024-03-06.

Conditions:
Hereditary cancer-predisposing syndrome. Also called: Neoplastic Syndromes, Hereditary; Tumor predisposition; Hereditary Cancer Syndrome; Hereditary neoplastic syndrome. Identifiers: Orphanet 140162, MedGen C0027672, MeSH D009386, MONDO:0015356.

Submissions (2):

Color Diagnostics, LLC DBA Color Health
Classification: Uncertain significance for Hereditary cancer-predisposing syndrome. Last evaluated: 2024-03-06. Review status: criteria provided, single submitter. Criteria: ACMG Guidelines, 2015. Collection method: clinical testing. Allele origin: germline.
Comment: This missense variant replaces valine with leucine at codon 1671 of the ATM protein. Computational prediction suggests that this variant may not impact protein structure and function (internally defined REVEL score threshold <= 0.5, PMID: 27666373). Splice site prediction tools suggest that this variant may not impact RNA splicing. To our knowledge, functional studies have not been performed for this variant. This variant has not been reported in individuals affected with hereditary cancer in the literature. This variant has not been identified in the general population by the Genome Aggregation Database (gnomAD). The available evidence is insufficient to determine the role of this variant in disease conclusively. Therefore, this variant is classified as a Variant of Uncertain Significance.

Ambry Genetics
Classification: Uncertain significance for Hereditary cancer-predisposing syndrome. Last evaluated: 2020-12-21. Review status: criteria provided, single submitter. Criteria: Ambry Variant Classification Scheme 2023. Collection method: clinical testing. Allele origin: germline.
Comment: The p.V1671L variant (also known as c.5011G>C), located in coding exon 33 of the ATM gene, results from a G to C substitution at nucleotide position 5011. The valine at codon 1671 is replaced by leucine, an amino acid with highly similar properties. This amino acid position is well conserved in available vertebrate species. In addition, this alteration is predicted to be tolerated by in silico analysis. Since supporting evidence is limited at this time, the clinical significance of this alteration remains unclear.

NM_000051.4(ATM):c.5011G>C (p.Val1671Leu)

Gene: ATM (ATM serine/threonine kinase; plus strand). Cytogenetic location: 11q22.3.
Variant type: single nucleotide variant.
Coding change: c.5011G>C on transcript NM_000051.4 (MANE Select); coding-DNA position 5011, G replaced by C.
Protein change: p.Val1671Leu; replaces valine 1671 with leucine.
Molecular consequence: missense variant.
Genome position (GRCh38, 1-based): chr11:108,299,719, G>C. VCF-style: chr11-108299719-G-C. GRCh37 (hg19) VCF-style: chr11-108170446-G-C.
Other names: c.5011G>C, p.Val1671Leu (NM_001351834.2); short protein forms V1671L.
Identifiers: ClinVar variation 919227 (VCV000919227.6), dbSNP rs1057523385, ClinGen allele CA382540028.